The following is an entry in ClinVar:

NM_021167.5(GATAD1):c.550G>C (p.Ala184Pro)

Gene: GATAD1 (GATA zinc finger domain containing 1; plus strand). Cytogenetic location: 7q21.2.
Variant type: single nucleotide variant.
Coding change: c.550G>C on transcript NM_021167.5 (MANE Select); coding-DNA position 550, G replaced by C.
Protein change: p.Ala184Pro; replaces alanine 184 with proline.
Molecular consequence: missense variant. On other transcripts: non-coding transcript variant (1).
Genome position (GRCh38, 1-based): chr7:92,454,616, G>C. VCF-style: chr7-92454616-G-C. GRCh37 (hg19) VCF-style: chr7-92083930-G-C.
Other names: short protein forms A184P.
Identifiers: ClinVar variation 3280860 (VCV003280860.1).

ClinVar aggregate classification (germline): Uncertain significance (1 of 4 stars; one submission).

Conditions:
Cardiovascular phenotype. Identifiers: MedGen CN230736.

Submission:

Ambry Genetics
Classification: Uncertain significance for Cardiovascular phenotype. Last evaluated: 2024-05-02. Review status: criteria provided, single submitter. Criteria: Ambry Variant Classification Scheme 2023. Collection method: clinical testing. Allele origin: germline.
Comment: The p.A184P variant (also known as c.550G>C), located in coding exon 4 of the GATAD1 gene, results from a G to C substitution at nucleotide position 550. The alanine at codon 184 is replaced by proline, an amino acid with highly similar properties. This amino acid position is conserved. In addition, this alteration is predicted to be deleterious by in silico analysis. Based on the available evidence, the clinical significance of this variant remains unclear.